The following is an entry in ClinVar:

NM_004183.4(BEST1):c.1668G>C (p.Leu556Phe)

Gene: BEST1 (bestrophin 1; plus strand). Cytogenetic location: 11q12.3.
Variant type: single nucleotide variant.
Coding change: c.1668G>C on transcript NM_004183.4 (MANE Select); coding-DNA position 1668, G replaced by C.
Protein change: p.Leu556Phe; replaces leucine 556 with phenylalanine.
Molecular consequence: missense variant. On other transcripts: non-coding transcript variant (1).
Genome position (GRCh38, 1-based): chr11:61,962,822, G>C. VCF-style: chr11-61962822-G-C. GRCh37 (hg19) VCF-style: chr11-61730294-G-C.
Other names: c.*563G>C (NM_001363592.2); c.696G>C, p.Leu232Phe (NM_001363593.3); c.1488G>C, p.Leu496Phe (NM_001139443.3, NM_001300787.2); c.1407G>C, p.Leu469Phe (NM_001300786.2); c.1350G>C, p.Leu450Phe (NM_001363591.3); short protein forms L450F, L469F, L496F, L556F, L232F.
Identifiers: ClinVar variation 2119354 (VCV002119354.4), dbSNP rs1942216312, ClinGen allele CA380850334.

ClinVar aggregate classification (germline): Uncertain significance (1 of 4 stars; one submission).

Submission:

Labcorp Genetics (formerly Invitae), Labcorp
Classification: Uncertain significance. Last evaluated: 2022-06-22. Review status: criteria provided, single submitter. Criteria: Invitae Variant Classification Sherloc (09022015). Collection method: clinical testing. Allele origin: germline.
Comment: In summary, the available evidence is currently insufficient to determine the role of this variant in disease. Therefore, it has been classified as a Variant of Uncertain Significance. Advanced modeling of protein sequence and biophysical properties (such as structural, functional, and spatial information, amino acid conservation, physicochemical variation, residue mobility, and thermodynamic stability) performed at Invitae indicates that this missense variant is not expected to disrupt BEST1 protein function. This variant has not been reported in the literature in individuals affected with BEST1-related conditions. This variant is not present in population databases (gnomAD no frequency). This sequence change replaces leucine, which is neutral and non-polar, with phenylalanine, which is neutral and non-polar, at codon 556 of the BEST1 protein (p.Leu556Phe).